The following is an entry in ClinVar:

ClinVar aggregate classification (germline): Uncertain significance. Review status: criteria provided, multiple submitters, no conflicts (2 of 4 stars). 2 submissions from 2 submitters: Uncertain significance (2). Last evaluated 2023-10-22.

Conditions:
Hereditary cancer-predisposing syndrome. Also called: Hereditary neoplastic syndrome; Tumor predisposition; Hereditary Cancer Syndrome; Neoplastic Syndromes, Hereditary. Identifiers: Orphanet 140162, MedGen C0027672, MeSH D009386, MONDO:0015356.
Hereditary nonpolyposis colorectal neoplasms. Identifiers: MedGen C0009405, MeSH D003123.

Submissions (2):

Ambry Genetics
Classification: Uncertain significance for Hereditary cancer-predisposing syndrome. Last evaluated: 2023-10-22. Review status: criteria provided, single submitter. Criteria: Ambry Variant Classification Scheme 2023. Collection method: clinical testing. Allele origin: germline.
Comment: The p.S1199R variant (also known as c.3597C>G), located in coding exon 7 of the MSH6 gene, results from a C to G substitution at nucleotide position 3597. The serine at codon 1199 is replaced by arginine, an amino acid with dissimilar properties. This amino acid position is conserved. In addition, this alteration is predicted to be deleterious by in silico analysis. Since supporting evidence is limited at this time, the clinical significance of this alteration remains unclear.

Labcorp Genetics (formerly Invitae), Labcorp
Classification: Uncertain significance for Hereditary nonpolyposis colorectal neoplasms. Last evaluated: 2022-04-11. Review status: criteria provided, single submitter. Criteria: Invitae Variant Classification Sherloc (09022015). Collection method: clinical testing. Allele origin: germline.
Comment: This sequence change replaces serine, which is neutral and polar, with arginine, which is basic and polar, at codon 1199 of the MSH6 protein (p.Ser1199Arg). This variant is not present in population databases (gnomAD no frequency). This variant has not been reported in the literature in individuals affected with MSH6-related conditions. Algorithms developed to predict the effect of missense changes on protein structure and function are either unavailable or do not agree on the potential impact of this missense change (SIFT: "Deleterious"; PolyPhen-2: "Probably Damaging"; Align-GVGD: "Class C15"). In summary, the available evidence is currently insufficient to determine the role of this variant in disease. Therefore, it has been classified as a Variant of Uncertain Significance.

NM_000179.3(MSH6):c.3597C>G (p.Ser1199Arg)

Gene: MSH6 (mutS homolog 6; plus strand). Cytogenetic location: 2p16.3.
Variant type: single nucleotide variant.
Coding change: c.3597C>G on transcript NM_000179.3 (MANE Select); coding-DNA position 3597, C replaced by G.
Protein change: p.Ser1199Arg; replaces serine 1199 with arginine.
Molecular consequence: missense variant.
Genome position (GRCh38, 1-based): chr2:47,805,658, C>G. VCF-style: chr2-47805658-C-G. GRCh37 (hg19) VCF-style: chr2-48032797-C-G.
Other names: c.3207C>G, p.Ser1069Arg (NM_001281492.2); c.2691C>G, p.Ser897Arg (NM_001281493.2, NM_001281494.2, NM_001406811.1 and 6 more transcripts); c.3693C>G, p.Ser1231Arg (NM_001406795.1, NM_001406802.1); c.3597C>G, p.Ser1199Arg (NM_001406796.1, NM_001406800.1, NM_001406808.1 and 1 more transcripts); c.3300C>G, p.Ser1100Arg (NM_001406797.1, NM_001406801.1, NM_001406805.1 and 10 more transcripts); c.3423C>G, p.Ser1141Arg (NM_001406798.1); c.3072C>G, p.Ser1024Arg (NM_001406799.1, NM_001406806.1, NM_001406807.1); c.2733C>G, p.Ser911Arg (NM_001406803.1); and 7 more; short protein forms S1024R, S1199R, S1201R, S126R, S897R, S1100R, S514R, S911R.
Identifiers: ClinVar variation 2124500 (VCV002124500.5), dbSNP rs1669963060, ClinGen allele CA346760547.